The following is an entry in ClinVar:

ClinVar aggregate classification (germline): Benign. Review status: criteria provided, multiple submitters, no conflicts (2 of 4 stars). 2 submissions from 2 submitters: Benign (2). Last evaluated 2018-06-19.

Allele frequency attached by ClinVar (database versions not stated): TOPMed 0.14891; ExAC 0.15286; gnomAD 0.16018 and 0.16214; gnomAD exomes 0.13625 and 0.14695; 1000 Genomes Project 0.14517; ESP Exome Variant Server 0.14584; 1000 Genomes Project 30x 0.14866.
gnomAD v4.1: 228,422 of 1,546,412 alleles (15%); highest among the groups gnomAD compares: African/African-American, 20%; 18,039 homozygotes.

Submissions (2):

GeneDx
Classification: Benign. Last evaluated: 2018-06-19. Review status: criteria provided, single submitter. Criteria: GeneDx Variant Classification (06012015). Collection method: clinical testing. Allele origin: germline. Affected: yes.
Comment: This variant is considered likely benign or benign based on one or more of the following criteria: it is a conservative change, it occurs at a poorly conserved position in the protein, it is predicted to be benign by multiple in silico algorithms, and/or has population frequency not consistent with disease.

Breakthrough Genomics
Classification: Benign. Review status: criteria provided, single submitter. Criteria: ACMG Guidelines, 2015. Collection method: not provided. Allele origin: germline. Inheritance: Autosomal dominant inheritance. Affected: yes.

NM_020822.3(KCNT1):c.1401+29G>A

Gene: KCNT1 (potassium sodium-activated channel subfamily T member 1; plus strand). Cytogenetic location: 9q34.3.
Variant type: single nucleotide variant.
Coding change: c.1401+29G>A on transcript NM_020822.3 (MANE Select); 29 bases into the intron after coding-DNA position 1401, G replaced by A.
Molecular consequence: intron variant.
Genome position (GRCh38, 1-based): chr9:135,768,702, G>A. VCF-style: chr9-135768702-G-A. GRCh37 (hg19) VCF-style: chr9-138660548-G-A.
Other names: c.1266+29G>A (NM_001272003.2).
Identifiers: ClinVar variation 682128 (VCV000682128.2), dbSNP rs35127932, ClinGen allele CA5326878.
Genomic context (GRCh38, chr9:135,768,702, plus strand): 5'-GCAGCAGGAACGAGGTGGACCGCACGGCTGCAGTGAGTGAGGCTGAGGCCCTGCCCAGGC[G>A]GGAGGGGCACCGTGGGGCCGGGGAGCGGGGGTCCCTGAGGGAAGAGACCTGCCCCAGGCT-3'